The following is an entry in ClinVar:

NM_000053.4(ATP7B):c.2963G>T (p.Gly988Val)

Gene: ATP7B (ATPase copper transporting beta; minus strand). Cytogenetic location: 13q14.3.
Variant type: single nucleotide variant.
Coding change: c.2963G>T on transcript NM_000053.4 (MANE Select); coding-DNA position 2963, G replaced by T.
Protein change: p.Gly988Val; replaces glycine 988 with valine.
Molecular consequence: missense variant.
Genome position (GRCh38, 1-based): chr13:51,946,381, C>A on the plus strand (G>T on the coding strand, the complement: ATP7B is on the minus strand). VCF-style: chr13-51946381-C-A. GRCh37 (hg19) VCF-style: chr13-52520517-C-A.
Other names: c.2342G>T, p.Gly781Val (NM_001005918.3); c.2630G>T, p.Gly877Val (NM_001243182.2); c.2729G>T, p.Gly910Val (NM_001330578.2, NM_001406527.1, NM_001406528.1 and 1 more transcripts); c.2711G>T, p.Gly904Val (NM_001330579.2, NM_001406531.1, NM_001406532.1); c.2963G>T, p.Gly988Val (NM_001406511.1, NM_001406512.1, NM_001406523.1 and 2 more transcripts); c.2819G>T, p.Gly940Val (NM_001406522.1, NM_001406520.1, NM_001406521.1); c.2786G>T, p.Gly929Val (NM_001406524.1); c.2723G>T, p.Gly908Val (NM_001406530.1); and 12 more; short protein forms G826V, G904V, G910V, G943V, G988V, G794V, G845V, G872V.
Identifiers: ClinVar variation 2137518 (VCV002137518.5), dbSNP rs1057518867, ClinGen allele CA388032255.

ClinVar aggregate classification (germline): Likely pathogenic. Review status: criteria provided, multiple submitters, no conflicts (2 of 4 stars). 2 submissions from 2 submitters: Likely pathogenic (2). Last evaluated 2025-02-05.

Conditions:
Wilson disease (WND). Also called: Wilson's disease. Identifiers: Orphanet 905, MedGen C0019202, MONDO:0010200, OMIM 277900. Disease mechanism: loss of function.

Submissions (2):

Women's Health and Genetics/Laboratory Corporation of America, LabCorp
Classification: Likely pathogenic for Wilson disease. Last evaluated: 2025-02-05. Review status: criteria provided, single submitter. Criteria: LabCorp Variant Classification Summary - May 2015. Collection method: clinical testing. Allele origin: germline.
Comment: Variant summary: ATP7B c.2963G>T (p.Gly988Val) results in a non-conservative amino acid change in the encoded protein sequence. Five of five in-silico tools predict a damaging effect of the variant on protein function. The variant was absent in 248932 control chromosomes (gnomAD). c.2963G>T has been reported in the literature in individuals affected with Wilson Disease (Schushan_2012, Cheng_2017, Li_2019, Singh_2019). These data indicate that the variant is likely to be associated with disease. To our knowledge, no experimental evidence demonstrating an impact on protein function has been reported. The following publications have been ascertained in the context of this evaluation (PMID: 27982432, 30702195, 22692182, 31059521, 35220961). ClinVar contains an entry for this variant (Variation ID: 2137518). Based on the evidence outlined above, the variant was classified as likely pathogenic.

Labcorp Genetics (formerly Invitae), Labcorp
Classification: Likely pathogenic for Wilson disease. Last evaluated: 2022-03-09. Review status: criteria provided, single submitter. Criteria: Invitae Variant Classification Sherloc (09022015). Collection method: clinical testing. Allele origin: germline.
Comment: This sequence change replaces glycine, which is neutral and non-polar, with valine, which is neutral and non-polar, at codon 988 of the ATP7B protein (p.Gly988Val). This variant is not present in population databases (gnomAD no frequency). This missense change has been observed in individual(s) with Wilson disease (PMID: 30702195). Advanced modeling of protein sequence and biophysical properties (such as structural, functional, and spatial information, amino acid conservation, physicochemical variation, residue mobility, and thermodynamic stability) performed at Invitae indicates that this missense variant is expected to disrupt ATP7B protein function. In summary, the currently available evidence indicates that the variant is pathogenic, but additional data are needed to prove that conclusively. Therefore, this variant has been classified as Likely Pathogenic.

Literature cited by the submitters: PubMed 22692182 (cited by Women's Health and Genetics/Laboratory Corporation of America, LabCorp); PubMed 27982432 (cited by Women's Health and Genetics/Laboratory Corporation of America, LabCorp); PubMed 30702195 (cited by Women's Health and Genetics/Laboratory Corporation of America, LabCorp and Labcorp Genetics (formerly Invitae), Labcorp); PubMed 31059521 (cited by Women's Health and Genetics/Laboratory Corporation of America, LabCorp); PubMed 35220961 (cited by Women's Health and Genetics/Laboratory Corporation of America, LabCorp).